The following is an entry in ClinVar:

ClinVar aggregate classification (germline): Uncertain significance (1 of 4 stars; one submission).

Conditions:
Hereditary cancer-predisposing syndrome. Also called: Neoplastic Syndromes, Hereditary; Tumor predisposition; Hereditary Cancer Syndrome; Hereditary neoplastic syndrome. Identifiers: Orphanet 140162, MedGen C0027672, MeSH D009386, MONDO:0015356.

Submission:

Ambry Genetics
Classification: Uncertain significance for Hereditary cancer-predisposing syndrome. Last evaluated: 2015-10-03. Review status: criteria provided, single submitter. Criteria: Ambry Variant Classification Scheme 2023. Collection method: clinical testing. Allele origin: germline.
Comment: The p.N219K variant (also known as c.657C>G), located in coding exon 6 of the MRE11A gene, results from a C to G substitution at nucleotide position 657. The asparagine at codon 219 is replaced by lysine, an amino acid with similar properties. This variant was not reported in population based cohorts in the following databases: Database of Single Nucleotide Polymorphisms (dbSNP), NHLBI Exome Sequencing Project (ESP), and 1000 Genomes Project. In the ESP, this variant was not observed in 6498 samples (12996 alleles) with coverage at this position. To date, this alteration has been detected with an allele frequency of approximately 0.002% (greater than 65000 alleles tested) in our clinical cohort. This amino acid position is highly conserved in available vertebrate species. In addition, the in silico prediction for this alteration is inconclusive. Since supporting evidence is limited at this time, the clinical significance of p.N219K remains unclear.

NM_005591.4(MRE11):c.657C>G (p.Asn219Lys)

Gene: MRE11 (MRE11 double strand break repair nuclease; minus strand). Cytogenetic location: 11q21.
Variant type: single nucleotide variant.
Coding change: c.657C>G on transcript NM_005591.4 (MANE Select); coding-DNA position 657, C replaced by G.
Protein change: p.Asn219Lys; replaces asparagine 219 with lysine.
Molecular consequence: missense variant.
Genome position (GRCh38, 1-based): chr11:94,476,291, G>C on the plus strand (C>G on the coding strand, the complement: MRE11 is on the minus strand). VCF-style: chr11-94476291-G-C. GRCh37 (hg19) VCF-style: chr11-94209457-G-C.
Other names: c.657C>G, p.Asn219Lys (NM_001330347.2, NM_005590.4); short protein forms N219K.
Identifiers: ClinVar variation 1799695 (VCV001799695.2), dbSNP rs775017362, ClinGen allele CA382376497.